The following is an entry in ClinVar:

ClinVar aggregate classification (germline): Pathogenic/Likely pathogenic. Review status: criteria provided, multiple submitters, no conflicts (2 of 4 stars). 2 submissions from 2 submitters: Pathogenic (1); Likely pathogenic (1). Last evaluated 2024-05-31.

Conditions:
Pelizaeus-Merzbacher disease. Also called: Pelizaeus-Merzbacher spectrum disorder; Pelizaeus-Merzbacher Disease (PMD); Pelizeaus-Merzbacher spectrum disorder; LEUKODYSTROPHY, HYPOMYELINATING, 1; Sudanophilic leukodystrophy. Identifiers: Orphanet 702, MedGen C0205711, MONDO:0010714, OMIM 312080, HP:0003269.
Hereditary spastic paraplegia 2 (SPG2). Also called: Spastic Paraplegia 2 (SPG2); SPASTIC PARAPLEGIA 2, X-LINKED. Identifiers: Orphanet 99015, MedGen C0751604, MONDO:0010733, OMIM 312920.

Submissions (2):

Labcorp Genetics (formerly Invitae), Labcorp
Classification: Pathogenic for Hereditary spastic paraplegia 2. Last evaluated: 2024-05-31. Review status: criteria provided, single submitter. Criteria: Invitae Variant Classification Sherloc (09022015). Collection method: clinical testing. Allele origin: germline.
Comment: This sequence change affects codon 147 of the PLP1 mRNA. It is a 'silent' change, meaning that it does not change the encoded amino acid sequence of the PLP1 protein. This variant is not present in population databases (gnomAD no frequency). This variant has been observed in individual(s) with PLP1-related conditions (PMID: 26125040, 28366443; Invitae). In at least one individual the variant was observed to be de novo. ClinVar contains an entry for this variant (Variation ID: 944578). Algorithms developed to predict the effect of variants on gene product structure and function are not available or were not evaluated for this variant. Experimental studies have shown that this variant affects PLP1 function (PMID: 26125040, 28366443). Algorithms developed to predict the effect of sequence changes on RNA splicing suggest that this variant is not likely to affect RNA splicing. For these reasons, this variant has been classified as Pathogenic.

Molecular Diagnostics Lab, Nemours Children's Health, Delaware
Classification: Likely pathogenic for Pelizaeus-Merzbacher disease. Last evaluated: 2021-11-30. Review status: criteria provided, single submitter. Criteria: ACMG Guidelines, 2015. Collection method: clinical testing. Allele origin: maternal, unknown. Inheritance: X-linked inheritance. Affected: yes and no. Observed: 3 heterozygotes, 2 hemizygotes. Clinical features observed: Nystagmus (HP:0000639), Spastic paraplegia (HP:0001258).
Comment: This variant (c.441A>T, p.Gly147=) predicts a synonymous change, and has not been observed in population databases (gnomAD). It has been described in the literature, and functional studies indicate an effect on protein expression (PMID 26152040, PMID 28366443).

Literature cited by the submitters: PubMed 26125040 (cited by Labcorp Genetics (formerly Invitae), Labcorp and Molecular Diagnostics Lab, Nemours Children's Health, Delaware); PubMed 28366443 (cited by Labcorp Genetics (formerly Invitae), Labcorp and Molecular Diagnostics Lab, Nemours Children's Health, Delaware).

NM_000533.5(PLP1):c.441A>T (p.Gly147=)

Genes: RAB9B (RAB9B, member RAS oncogene family; minus strand), PLP1 (proteolipid protein 1; plus strand). Cytogenetic location: Xq22.2.
Variant type: single nucleotide variant.
Coding change: c.441A>T on transcript NM_000533.5 (MANE Select); coding-DNA position 441, A replaced by T.
Protein change: p.Gly147=; no amino-acid change (glycine 147 retained).
Molecular consequence: synonymous variant. On other transcripts: intron variant (1).
Genome position (GRCh38, 1-based): chrX:103,786,714, A>T. VCF-style: chrX-103786714-A-T. GRCh37 (hg19) VCF-style: chrX-103041643-A-T.
Other names: c.441A>T, p.Gly147= (NM_001128834.3); c.276A>T, p.Gly92= (NM_001305004.1); c.348+93A>T (NM_199478.3).
Identifiers: ClinVar variation 944578 (VCV000944578.10), dbSNP rs1602383021, ClinGen allele CA518092061.